The following is an entry in ClinVar:

NM_017780.4(CHD7):c.3377dup (p.Leu1126fs)

Gene: CHD7 (chromodomain helicase DNA binding protein 7; plus strand). Cytogenetic location: 8q12.2.
Variant type: Duplication.
Coding change: c.3377dup on transcript NM_017780.4 (MANE Select); coding-DNA position 3377, one base duplicated (T; older notation c.3377dupT).
Protein change: p.Leu1126fs; shifts the reading frame from leucine 1126.
Molecular consequence: frameshift variant. On other transcripts: intron variant (1).
Genome position (GRCh38, 1-based): chr8:60,824,015, T duplicated; the last of 2 consecutive T bases (chr8:60,824,014-60,824,015); duplicating either gives the same sequence. VCF-style (leftmost placement, unchanged base first): chr8-60824013-C-CT. GRCh37 (hg19) VCF-style: chr8-61736572-C-CT.
Other names: c.1717-38214dup (NM_001316690.1); short protein forms L1126fs.
Identifiers: ClinVar variation 1163023 (VCV001163023.5), dbSNP rs2150752695, ClinGen allele CA2499219372.
Genomic context (GRCh38, chr8:60,824,013, plus strand): 5'-TGAAGCCCACAGGCTGAAGAACAGGAACTGCAAGCTGTTGGAGGGACTCAAGATGATGGA[C>CT]TTGGTCAGTGACCATATTGGTGATTGCACTGAACCTGAATAGAATTGTTGCTGACTTGAT-3'

ClinVar aggregate classification (germline): Pathogenic (1 of 4 stars; one submission).

Submission:

Mayo Clinic Laboratories, Mayo Clinic
Classification: Pathogenic. Last evaluated: 2019-08-26. Review status: criteria provided, single submitter. Criteria: ACMG Guidelines, 2015. Collection method: clinical testing. Allele origin: germline. Observed: 1 variant allele.
Comment: PVS1, PM2

Literature cited by the submitters: PubMed 28475860.